The following is an entry in ClinVar:

ClinVar aggregate classification (germline): Uncertain significance (1 of 4 stars; one submission).

Conditions:
Cardiovascular phenotype. Identifiers: MedGen CN230736.

gnomAD v4.1: 4 of 1,613,632 alleles (0.00025%); highest among the groups gnomAD compares: Non-Finnish European, 0.00034%; no homozygotes.

Submission:

Ambry Genetics
Classification: Uncertain significance for Cardiovascular phenotype. Last evaluated: 2024-05-03. Review status: criteria provided, single submitter. Criteria: Ambry Variant Classification Scheme 2023. Collection method: clinical testing. Allele origin: germline.
Comment: The p.V3111I variant (also known as c.9331G>A), located in coding exon 26 of the TNXB gene, results from a G to A substitution at nucleotide position 9331. The valine at codon 3111 is replaced by isoleucine, an amino acid with highly similar properties. This amino acid position is conserved. In addition, this alteration is predicted to be tolerated by in silico analysis. Based on the available evidence, the clinical significance of this variant remains unclear.

NM_001365276.2(TNXB):c.9337G>A (p.Val3113Ile)

Gene: TNXB (tenascin XB; minus strand). Cytogenetic location: 6p21.33.
Variant type: single nucleotide variant.
Coding change: c.9337G>A on transcript NM_001365276.2 (MANE Select); coding-DNA position 9337, G replaced by A.
Protein change: p.Val3113Ile; replaces valine 3113 with isoleucine.
Molecular consequence: missense variant.
Genome position (GRCh38, 1-based): chr6:32,050,100, C>T on the plus strand (G>A on the coding strand, the complement: TNXB is on the minus strand). VCF-style: chr6-32050100-C-T. GRCh37 (hg19) VCF-style: chr6-32017877-C-T.
Other names: c.9331G>A, p.Val3111Ile (NM_019105.8); short protein forms V3111I, V3113I.
Identifiers: ClinVar variation 3327858 (VCV003327858.1).